The following is an entry in ClinVar:

NM_020745.4(AARS2):c.119C>G (p.Ser40Trp)

Gene: AARS2 (alanyl-tRNA synthetase 2, mitochondrial; minus strand). Cytogenetic location: 6p21.1.
Variant type: single nucleotide variant.
Coding change: c.119C>G on transcript NM_020745.4 (MANE Select); coding-DNA position 119, C replaced by G.
Protein change: p.Ser40Trp; replaces serine 40 with tryptophan.
Molecular consequence: missense variant.
Genome position (GRCh38, 1-based): chr6:44,313,205, G>C on the plus strand (C>G on the coding strand, the complement: AARS2 is on the minus strand). VCF-style: chr6-44313205-G-C. GRCh37 (hg19) VCF-style: chr6-44280942-G-C.
Other names: short protein forms S40W.
Identifiers: ClinVar variation 2156617 (VCV002156617.3), dbSNP rs778971317, ClinGen allele CA3834739.

ClinVar aggregate classification (germline): Uncertain significance (1 of 4 stars; one submission).

Allele frequency attached by ClinVar (database versions not stated): ExAC 0.00013.
gnomAD v4.1: 58 of 1,608,694 alleles (0.0036%); highest among the groups gnomAD compares: Non-Finnish European, 0.0048%; no homozygotes.

Submission:

Labcorp Genetics (formerly Invitae), Labcorp
Classification: Uncertain significance. Last evaluated: 2024-10-17. Review status: criteria provided, single submitter. Criteria: Invitae Variant Classification Sherloc (09022015). Collection method: clinical testing. Allele origin: germline.
Comment: This sequence change replaces serine, which is neutral and polar, with tryptophan, which is neutral and slightly polar, at codon 40 of the AARS2 protein (p.Ser40Trp). This variant is present in population databases (rs778971317, gnomAD 0.01%). This variant has not been reported in the literature in individuals affected with AARS2-related conditions. ClinVar contains an entry for this variant (Variation ID: 2156617). Invitae Evidence Modeling of protein sequence and biophysical properties (such as structural, functional, and spatial information, amino acid conservation, physicochemical variation, residue mobility, and thermodynamic stability) indicates that this missense variant is not expected to disrupt AARS2 protein function with a negative predictive value of 80%. In summary, the available evidence is currently insufficient to determine the role of this variant in disease. Therefore, it has been classified as a Variant of Uncertain Significance.